The following is an entry in ClinVar:

NM_005876.5(SPEG):c.3491+3A>G

Gene: SPEG (striated muscle enriched protein kinase; plus strand). Cytogenetic location: 2q35.
Variant type: single nucleotide variant.
Coding change: c.3491+3A>G on transcript NM_005876.5 (MANE Select); 3 bases into the intron after coding-DNA position 3491, A replaced by G.
Molecular consequence: intron variant.
Genome position (GRCh38, 1-based): chr2:219,469,051, A>G. VCF-style: chr2-219469051-A-G. GRCh37 (hg19) VCF-style: chr2-220333773-A-G.
Identifiers: ClinVar variation 1346810 (VCV001346810.6), dbSNP rs2125466366, ClinGen allele CA2573135400.

ClinVar aggregate classification (germline): Uncertain significance (1 of 4 stars; one submission).

Submission:

Labcorp Genetics (formerly Invitae), Labcorp
Classification: Uncertain significance. Last evaluated: 2021-04-19. Review status: criteria provided, single submitter. Criteria: Invitae Variant Classification Sherloc (09022015). Collection method: clinical testing. Allele origin: germline.
Comment: In summary, the available evidence is currently insufficient to determine the role of this variant in disease. Therefore, it has been classified as a Variant of Uncertain Significance. Nucleotide substitutions within the consensus splice site are a relatively common cause of aberrant splicing (PMID: 17576681, 9536098). Algorithms developed to predict the effect of sequence changes on RNA splicing suggest that this variant may disrupt the consensus splice site, but this prediction has not been confirmed by published transcriptional studies. This variant has not been reported in the literature in individuals with SPEG-related conditions. This variant is not present in population databases (ExAC no frequency). This sequence change falls in intron 12 of the SPEG gene. It does not directly change the encoded amino acid sequence of the SPEG protein. It affects a nucleotide within the consensus splice site of the intron.

Literature cited by the submitters: PubMed 17576681; PubMed 9536098.